The following is an entry in ClinVar:

ClinVar aggregate classification (germline): Uncertain significance. Review status: criteria provided, multiple submitters, no conflicts (2 of 4 stars). 2 submissions from 2 submitters: Uncertain significance (2). Last evaluated 2021-06-21.

Conditions:
Cutis laxa with osteodystrophy (ARCL2A). Also called: Debré-Type Cutis Laxa; CUTIS LAXA WITH CONGENITAL DISORDER OF GLYCOSYLATION; CUTIS LAXA, AUTOSOMAL RECESSIVE, TYPE IIA; CUTIS LAXA WITH BONE DYSTROPHY; CUTIS LAXA WITH GROWTH AND DEVELOPMENTAL DELAY; CUTIS LAXA WITH JOINT LAXITY AND RETARDED DEVELOPMENT. Identifiers: Orphanet 357058, MedGen C0268355, MONDO:0018163, OMIM 219200. Disease mechanism: loss of function.

Allele frequency attached by ClinVar (database versions not stated): gnomAD exomes 0.00001.
gnomAD v4.1: 12 of 1,613,994 alleles (0.00074%); highest among the groups gnomAD compares: East Asian, 0.022%; no homozygotes.

Submissions (2):

GeneDx
Classification: Uncertain significance. Last evaluated: 2021-06-21. Review status: criteria provided, single submitter. Criteria: GeneDx Variant Classification Process June 2021. Collection method: clinical testing. Allele origin: germline. Affected: yes.
Comment: Has not been previously published as pathogenic or benign to our knowledge; Not observed in large population cohorts (Lek et al., 2016); In silico analysis supports that this missense variant has a deleterious effect on protein structure/function

Illumina Laboratory Services, Illumina
Classification: Uncertain significance for Cutis laxa with osteodystrophy. Last evaluated: 2018-01-13. Review status: criteria provided, single submitter. Criteria: ICSL Variant Classification Criteria 13 December 2019. Collection method: clinical testing. Allele origin: germline.

NM_012463.4(ATP6V0A2):c.2273C>T (p.Ala758Val)

Gene: ATP6V0A2 (ATPase H+ transporting V0 subunit a2; plus strand). Cytogenetic location: 12q24.31.
Variant type: single nucleotide variant.
Coding change: c.2273C>T on transcript NM_012463.4 (MANE Select); coding-DNA position 2273, C replaced by T.
Protein change: p.Ala758Val; replaces alanine 758 with valine.
Molecular consequence: missense variant.
Genome position (GRCh38, 1-based): chr12:123,754,517, C>T. VCF-style: chr12-123754517-C-T. GRCh37 (hg19) VCF-style: chr12-124239064-C-T.
Other names: short protein forms A758V.
Identifiers: ClinVar variation 307596 (VCV000307596.6), dbSNP rs886049062, ClinGen allele CA10640483.